The following is an entry in ClinVar:

ClinVar aggregate classification (germline): Uncertain significance (1 of 4 stars; one submission).

Conditions:
Norman-Roberts syndrome (LIS2). Also called: Lissencephaly 2 (Norman-Roberts type). Identifiers: Orphanet 89844, MedGen C0796089, MONDO:0009760, OMIM 257320.
Familial temporal lobe epilepsy 7. Identifiers: Orphanet 101046, MedGen C4225327, MONDO:0014639, OMIM 616436.

gnomAD v4.1: 1 of 1,594,118 alleles (0.000063%); highest among the groups gnomAD compares: African/African-American, 0.0013%; no homozygotes.

Submission:

Labcorp Genetics (formerly Invitae), Labcorp
Classification: Uncertain significance for Familial temporal lobe epilepsy 7; Norman-Roberts syndrome. Last evaluated: 2026-01-01. Review status: criteria provided, single submitter. Criteria: Invitae Variant Classification Sherloc (09022015). Collection method: clinical testing. Allele origin: germline.
Comment: This sequence change replaces lysine, which is basic and polar, with glutamic acid, which is acidic and polar, at codon 1515 of the RELN protein (p.Lys1515Glu). This variant is not present in population databases (gnomAD no frequency). This variant has not been reported in the literature in individuals affected with RELN-related conditions. ClinVar contains an entry for this variant (Variation ID: 1053545). Invitae Evidence Modeling of protein sequence and biophysical properties (such as structural, functional, and spatial information, amino acid conservation, physicochemical variation, residue mobility, and thermodynamic stability) indicates that this missense variant is not expected to disrupt RELN protein function with a negative predictive value of 80%. In summary, the available evidence is currently insufficient to determine the role of this variant in disease. Therefore, it has been classified as a Variant of Uncertain Significance.

NM_005045.4(RELN):c.4543A>G (p.Lys1515Glu)

Gene: RELN (reelin; minus strand). Cytogenetic location: 7q22.1.
Variant type: single nucleotide variant.
Coding change: c.4543A>G on transcript NM_005045.4 (MANE Select); coding-DNA position 4543, A replaced by G.
Protein change: p.Lys1515Glu; replaces lysine 1515 with glutamic acid.
Molecular consequence: missense variant.
Genome position (GRCh38, 1-based): chr7:103,572,229, T>C on the plus strand (A>G on the coding strand, the complement: RELN is on the minus strand). VCF-style: chr7-103572229-T-C. GRCh37 (hg19) VCF-style: chr7-103212676-T-C.
Other names: c.4543A>G, p.Lys1515Glu (NM_173054.3); short protein forms K1515E.
Identifiers: ClinVar variation 1053545 (VCV001053545.7), dbSNP rs946390770, ClinGen allele CA163918605.
Genomic context (GRCh38, chr7:103,572,229, plus strand): 5'-AATACAGCAGCTTACCTTCATTTCTAGTTCTTGGTTTGATGCAGGTAATGCCTGAAGTTT[T>C]GCTTCCAATTTGTATATAAAATTGAACAAGTCTGGGGAATAAAAACTTTAGTTTACTTAC-3'
Protein context (NP_005036.2, residues 1505-1525): LVQFYIQIGS[Lys1515Glu]TSGITCIKPR